The following is an entry in ClinVar:

ClinVar aggregate classification (germline): Uncertain significance. Review status: criteria provided, multiple submitters, no conflicts (2 of 4 stars). 3 submissions from 3 submitters: Uncertain significance (2). 1 of the submissions does not count toward it. Last evaluated 2025-01-06.

Conditions:
PEX6-related disorder. Also called: PEX6-related condition; PEX6-related disorders.
Peroxisome biogenesis disorder. Identifiers: Orphanet 79189, MedGen C1832200, MONDO:0019234. Disease mechanism: loss of function.

Allele frequency attached by ClinVar (database versions not stated): gnomAD exomes 0.00001; TOPMed 0.00006; gnomAD 0.00009 and 0.00010.
gnomAD v4.1: 19 of 1,614,042 alleles (0.0012%); highest among the groups gnomAD compares: African/African-American, 0.021%; no homozygotes.

Submissions (3):

Labcorp Genetics (formerly Invitae), Labcorp
Classification: Uncertain significance for Peroxisome biogenesis disorder. Last evaluated: 2025-01-06. Review status: criteria provided, single submitter. Criteria: Invitae Variant Classification Sherloc (09022015). Collection method: clinical testing. Allele origin: germline.
Comment: This sequence change replaces leucine, which is neutral and non-polar, with isoleucine, which is neutral and non-polar, at codon 215 of the PEX6 protein (p.Leu215Ile). This variant is present in population databases (no rsID available, gnomAD 0.02%). This variant has not been reported in the literature in individuals affected with PEX6-related conditions. ClinVar contains an entry for this variant (Variation ID: 498682). Invitae Evidence Modeling of protein sequence and biophysical properties (such as structural, functional, and spatial information, amino acid conservation, physicochemical variation, residue mobility, and thermodynamic stability) indicates that this missense variant is not expected to disrupt PEX6 protein function with a negative predictive value of 95%. In summary, the available evidence is currently insufficient to determine the role of this variant in disease. Therefore, it has been classified as a Variant of Uncertain Significance.

Eurofins Ntd Llc (ga)
Classification: Uncertain significance. Last evaluated: 2016-11-15. Review status: criteria provided, single submitter. Criteria: EGL Classification Definitions 2015. Collection method: clinical testing. Allele origin: germline. Observed: 1 variant allele, 1 heterozygote.

PreventionGenetics, part of Exact Sciences
Classification: Uncertain significance for PEX6-related condition. Last evaluated: 2024-09-03. Review status: no assertion criteria provided. Collection method: clinical testing. Allele origin: germline. Not counted in ClinVar's aggregate classification.
Comment: The PEX6 c.643C>A variant is predicted to result in the amino acid substitution p.Leu215Ile. To our knowledge, this variant has not been reported in the literature. This variant is reported in 0.020% of alleles in individuals of African descent in gnomAD. At this time, the clinical significance of this variant is uncertain due to the absence of conclusive functional and genetic evidence.

NM_000287.4(PEX6):c.643C>A (p.Leu215Ile)

Gene: PEX6 (peroxisomal biogenesis factor 6; minus strand). Cytogenetic location: 6p21.1.
Variant type: single nucleotide variant.
Coding change: c.643C>A on transcript NM_000287.4 (MANE Select); coding-DNA position 643, C replaced by A.
Protein change: p.Leu215Ile; replaces leucine 215 with isoleucine.
Molecular consequence: missense variant. On other transcripts: non-coding transcript variant (1), intron variant (1).
Genome position (GRCh38, 1-based): chr6:42,978,508, G>T on the plus strand (C>A on the coding strand, the complement: PEX6 is on the minus strand). VCF-style: chr6-42978508-G-T. GRCh37 (hg19) VCF-style: chr6-42946246-G-T.
Other names: c.643C>A (NM_000287.3); c.618+25C>A (NM_001316313.2); short protein forms L215I.
Identifiers: ClinVar variation 498682 (VCV000498682.10), dbSNP rs865933425, ClinGen allele CA138237957.